The following is an entry in ClinVar:

ClinVar aggregate classification (germline): Likely benign (1 of 4 stars; one submission).

Conditions:
MYO7B-related disorder. Also called: MYO7B-related condition.

Submission:

PreventionGenetics, part of Exact Sciences
Classification: Likely benign for MYO7B-related condition. Last evaluated: 2025-11-25. Review status: criteria provided, single submitter. Criteria: ACMG Guidelines, 2015. Collection method: clinical testing. Allele origin: germline.
Comment: This variant is classified as likely benign based on ACMG/AMP sequence variant interpretation guidelines (Richards et al. 2015 PMID: 25741868, with internal and published modifications).

NM_001393586.1(MYO7B):c.3526-9del

Gene: MYO7B (myosin VIIB; plus strand). Cytogenetic location: 2q14.3.
Variant type: Deletion.
Coding change: c.3526-9del on transcript NM_001393586.1 (MANE Select); 9 bases into the intron before coding-DNA position 3526, one base deleted (A; older notation c.3526-9delA).
Molecular consequence: intron variant.
Genome position (GRCh38, 1-based): chr2:127,621,973, A deleted. VCF-style (leftmost placement, unchanged base first): chr2-127621972-CA-C. GRCh37 (hg19) VCF-style: chr2-128379547-CA-C.
Other names: c.3448-9del (NM_001080527.2); c.7-9del (NM_001393594.1).
Identifiers: ClinVar variation 4977482 (VCV004977482.1).